The following is an entry in ClinVar:

NM_004104.5(FASN):c.7282C>T (p.Arg2428Cys)

Genes: FASN (fatty acid synthase; minus strand), LOC129390948 (MPRA-validated peak3028 silencer; plus strand). Cytogenetic location: 17q25.3.
Variant type: single nucleotide variant.
Coding change: c.7282C>T on transcript NM_004104.5 (MANE Select); coding-DNA position 7282, C replaced by T.
Protein change: p.Arg2428Cys; replaces arginine 2428 with cysteine.
Molecular consequence: missense variant.
Genome position (GRCh38, 1-based): chr17:82,079,473, G>A on the plus strand (C>T on the coding strand, the complement: FASN is on the minus strand). VCF-style: chr17-82079473-G-A. GRCh37 (hg19) VCF-style: chr17-80037349-G-A.
Other names: short protein forms R2428C.
Identifiers: ClinVar variation 1481358 (VCV001481358.8), dbSNP rs769391843, ClinGen allele CA8851049.

ClinVar aggregate classification (germline): Uncertain significance (1 of 4 stars; one submission).

Conditions:
Epileptic encephalopathy. Identifiers: MedGen C0543888, HP:0200134.

Allele frequency attached by ClinVar (database versions not stated): TOPMed below 0.00001; ExAC 0.00002; gnomAD 0.00002; gnomAD exomes 0.00002.
gnomAD v4.1: 13 of 1,612,772 alleles (0.00081%); highest among the groups gnomAD compares: East Asian, 0.011%; no homozygotes.

Submission:

Labcorp Genetics (formerly Invitae), Labcorp
Classification: Uncertain significance for Epileptic encephalopathy. Last evaluated: 2025-07-08. Review status: criteria provided, single submitter. Criteria: Invitae Variant Classification Sherloc (09022015). Collection method: clinical testing. Allele origin: germline.
Comment: This sequence change replaces arginine, which is basic and polar, with cysteine, which is neutral and slightly polar, at codon 2428 of the FASN protein (p.Arg2428Cys). This variant is present in population databases (rs769391843, gnomAD 0.02%). This variant has not been reported in the literature in individuals affected with FASN-related conditions. ClinVar contains an entry for this variant (Variation ID: 1481358). An algorithm developed to predict the effect of missense changes on protein structure and function (PolyPhen-2) suggests that this variant is likely to be disruptive. In summary, the available evidence is currently insufficient to determine the role of this variant in disease. Therefore, it has been classified as a Variant of Uncertain Significance.